The following is an entry in ClinVar:

NM_001040716.2(PC):c.2920dup (p.Val974fs)

Gene: PC (pyruvate carboxylase; minus strand). Cytogenetic location: 11q13.2.
Variant type: Duplication.
Coding change: c.2920dup on transcript NM_001040716.2 (MANE Select); coding-DNA position 2920, one base duplicated (G; older notation c.2920dupG).
Protein change: p.Val974fs; shifts the reading frame from valine 974.
Molecular consequence: frameshift variant.
Genome position (GRCh38, 1-based): chr11:66,849,838, C duplicated on the plus strand (G on the coding strand, the reverse complement: PC is on the minus strand); the first of 3 consecutive C bases (chr11:66,849,838-66,849,840); duplicating any one gives the same sequence. VCF-style (leftmost placement, unchanged base first): chr11-66849837-A-AC. GRCh37 (hg19) VCF-style: chr11-66617308-A-AC.
Other names: c.2920dup, p.Val974fs (NM_000920.4, NM_001439352.1, NM_001439353.1 and 5 more transcripts); short protein forms V974fs.
Identifiers: ClinVar variation 5011794 (VCV005011794.1).

ClinVar aggregate classification (germline): Pathogenic (1 of 4 stars; one submission).

Conditions:
Pyruvate carboxylase deficiency. Also called: ATAXIA WITH LACTIC ACIDOSIS II; LEIGH NECROTIZING ENCEPHALOPATHY DUE TO PYRUVATE CARBOXYLASE DEFICIENCY; LEIGH SYNDROME DUE TO PYRUVATE CARBOXYLASE DEFICIENCY; PC DEFICIENCY; Pyruvate Carboxylase Deficiency Disease. Identifiers: Orphanet 3008, MedGen C0034341, MONDO:0009949, OMIM 266150.

Submission:

Myriad Genetics, Inc.
Classification: Pathogenic for Pyruvate carboxylase deficiency. Last evaluated: 2023-09-27. Review status: criteria provided, single submitter. Criteria: Myriad Autosomal Dominant, Autosomal Recessive and X-Linked Classification Criteria (2023). Collection method: clinical testing. Allele origin: unknown.
Comment: NM_000920.3(PC):c.2920dupG(V974Gfs*59) is expected to be pathogenic in the context of pyruvate carboxylase deficiency. This variant is predicted to lead to an abnormal or absent protein product due to the creation of a premature termination codon in PC, a gene where loss-of-function variants are known to be pathogenic. Please note: this variant was assessed in the context of healthy population screening.